The following is an entry in ClinVar:

ClinVar aggregate classification (germline): Conflicting classifications of pathogenicity. Review status: criteria provided, conflicting classifications (1 of 4 stars). 3 submissions from 3 submitters: Uncertain significance (1); Likely benign (1). 1 of the submissions does not count toward it. Last evaluated 2026-02-01.

Conditions:
Epidermodysplasia verruciformis. Identifiers: Orphanet 302, MedGen C0014522, MONDO:0009176.
TMC8-related disorder. Also called: TMC8-related condition.
Inborn genetic diseases. Identifiers: MedGen C0950123, MeSH D030342.

Allele frequency attached by ClinVar (database versions not stated): TOPMed 0.00094; gnomAD 0.00108; gnomAD exomes 0.00112 and 0.00168; ExAC 0.00139; ESP Exome Variant Server 0.00161.
gnomAD v4.1: 2,588 of 1,613,800 alleles (0.16%); highest among the groups gnomAD compares: Non-Finnish European, 0.2%; 4 homozygotes.

Submissions (3):

Labcorp Genetics (formerly Invitae), Labcorp
Classification: Likely benign for Epidermodysplasia verruciformis. Last evaluated: 2026-02-01. Review status: criteria provided, single submitter. Criteria: Invitae Variant Classification Sherloc (09022015). Collection method: clinical testing. Allele origin: germline.

Ambry Genetics
Classification: Uncertain significance for Inborn genetic diseases. Last evaluated: 2021-08-02. Review status: criteria provided, single submitter. Criteria: Ambry Variant Classification Scheme 2023. Collection method: clinical testing. Allele origin: germline.

PreventionGenetics, part of Exact Sciences
Classification: Likely benign for TMC8-related condition. Last evaluated: 2022-02-22. Review status: no assertion criteria provided. Collection method: clinical testing. Allele origin: germline. Not counted in ClinVar's aggregate classification.
Comment: This variant is classified as likely benign based on ACMG/AMP sequence variant interpretation guidelines (Richards et al. 2015 PMID: 25741868, with internal and published modifications).

NM_152468.5(TMC8):c.1462G>A (p.Gly488Ser)

Gene: TMC8 (transmembrane channel like 8; plus strand). Cytogenetic location: 17q25.3.
Variant type: single nucleotide variant.
Coding change: c.1462G>A on transcript NM_152468.5 (MANE Select); coding-DNA position 1462, G replaced by A.
Protein change: p.Gly488Ser; replaces glycine 488 with serine.
Molecular consequence: missense variant.
Genome position (GRCh38, 1-based): chr17:78,138,117, G>A. VCF-style: chr17-78138117-G-A. GRCh37 (hg19) VCF-style: chr17-76134198-G-A.
Other names: short protein forms G488S.
Identifiers: ClinVar variation 789400 (VCV000789400.14), dbSNP rs139756868, ClinGen allele CA8796876.